The following is an entry in ClinVar:

ClinVar aggregate classification (germline): Uncertain significance (1 of 4 stars; one submission).

Allele frequency attached by ClinVar (database versions not stated): gnomAD 0.00001; TOPMed below 0.00001.
gnomAD v4.1: 13 of 1,614,068 alleles (0.00081%); highest among the groups gnomAD compares: Non-Finnish European, 0.0011%; no homozygotes.

Submission:

Labcorp Genetics (formerly Invitae), Labcorp
Classification: Uncertain significance. Last evaluated: 2022-09-14. Review status: criteria provided, single submitter. Criteria: Invitae Variant Classification Sherloc (09022015). Collection method: clinical testing. Allele origin: germline.
Comment: This sequence change replaces aspartic acid, which is acidic and polar, with glycine, which is neutral and non-polar, at codon 609 of the ERBB4 protein (p.Asp609Gly). This variant is present in population databases (rs199647352, gnomAD 0.007%). This variant has not been reported in the literature in individuals affected with ERBB4-related conditions. Advanced modeling of protein sequence and biophysical properties (such as structural, functional, and spatial information, amino acid conservation, physicochemical variation, residue mobility, and thermodynamic stability) performed at Invitae indicates that this missense variant is not expected to disrupt ERBB4 protein function. In summary, the available evidence is currently insufficient to determine the role of this variant in disease. Therefore, it has been classified as a Variant of Uncertain Significance.

NM_005235.3(ERBB4):c.1826A>G (p.Asp609Gly)

Gene: ERBB4 (erb-b2 receptor tyrosine kinase 4; minus strand). Cytogenetic location: 2q34.
Variant type: single nucleotide variant.
Coding change: c.1826A>G on transcript NM_005235.3 (MANE Select); coding-DNA position 1826, A replaced by G.
Protein change: p.Asp609Gly; replaces aspartic acid 609 with glycine.
Molecular consequence: missense variant.
Genome position (GRCh38, 1-based): chr2:211,665,368, T>C on the plus strand (A>G on the coding strand, the complement: ERBB4 is on the minus strand). VCF-style: chr2-211665368-T-C. GRCh37 (hg19) VCF-style: chr2-212530093-T-C.
Other names: c.1826A>G, p.Asp609Gly (NM_001042599.2); short protein forms D609G.
Identifiers: ClinVar variation 2056672 (VCV002056672.4), dbSNP rs199647352, ClinGen allele CA65171300.
Genomic context (GRCh38, chr2:211,665,368, plus strand): 5'-AGCAAGAATGCTTACCCTTGGGTGCAGTTTGGATGGCATGGGTGGCACTCCCGATCTGGA[T>C]CAGCATACTTGAAAATGAAACTGTTTGCCCCCTGTAAGCCATCTGGACATTTTTCCACAC-3'
Protein context (NP_005226.1, residues 599-619): GANSFIFKYA[Asp609Gly]PDRECHPCHP